The following is an entry in ClinVar:

NM_006796.3(AFG3L2):c.790A>G (p.Ile264Val)

Gene: AFG3L2 (AFG3 like matrix AAA peptidase subunit 2; minus strand). Cytogenetic location: 18p11.21.
Variant type: single nucleotide variant.
Coding change: c.790A>G on transcript NM_006796.3 (MANE Select); coding-DNA position 790, A replaced by G.
Protein change: p.Ile264Val; replaces isoleucine 264 with valine.
Molecular consequence: missense variant.
Genome position (GRCh38, 1-based): chr18:12,358,906, T>C on the plus strand (A>G on the coding strand, the complement: AFG3L2 is on the minus strand). VCF-style: chr18-12358906-T-C. GRCh37 (hg19) VCF-style: chr18-12358905-T-C.
Other names: short protein forms I264V.
Identifiers: ClinVar variation 3067324 (VCV003067324.22), dbSNP rs1456889376, ClinGen allele CA401953884.

ClinVar aggregate classification (germline): Uncertain significance. Review status: criteria provided, multiple submitters, no conflicts (2 of 4 stars). 2 submissions from 2 submitters: Uncertain significance (2). Last evaluated 2025-11-04.

Allele frequency attached by ClinVar (database versions not stated): gnomAD exomes below 0.00001; TOPMed below 0.00001.

Submissions (2):

Labcorp Genetics (formerly Invitae), Labcorp
Classification: Uncertain significance. Last evaluated: 2025-11-04. Review status: criteria provided, single submitter. Criteria: Invitae Variant Classification Sherloc (09022015). Collection method: clinical testing. Allele origin: germline.
Comment: This sequence change replaces isoleucine, which is neutral and non-polar, with valine, which is neutral and non-polar, at codon 264 of the AFG3L2 protein (p.Ile264Val). This variant is present in population databases (no rsID available, gnomAD no frequency). This variant has not been reported in the literature in individuals affected with AFG3L2-related conditions. ClinVar contains an entry for this variant (Variation ID: 3067324). Invitae Evidence Modeling of protein sequence and biophysical properties (such as structural, functional, and spatial information, amino acid conservation, physicochemical variation, residue mobility, and thermodynamic stability) indicates that this missense variant is not expected to disrupt AFG3L2 protein function with a negative predictive value of 95%. In summary, the available evidence is currently insufficient to determine the role of this variant in disease. Therefore, it has been classified as a Variant of Uncertain Significance.

CeGaT Center for Human Genetics Tuebingen
Classification: Uncertain significance. Last evaluated: 2024-03-01. Review status: criteria provided, single submitter. Criteria: CeGaT Center For Human Genetics Tuebingen Variant Classification Criteria Version 2. Collection method: clinical testing. Allele origin: germline. Affected: yes. Observed: 1 variant allele.
Comment: AFG3L2: PM2